The following is an entry in ClinVar:

ClinVar aggregate classification (germline): Uncertain significance. Review status: criteria provided, multiple submitters, no conflicts (2 of 4 stars). 2 submissions from 2 submitters: Uncertain significance (2). Last evaluated 2026-04-01.

Submissions (2):

CeGaT Center for Human Genetics Tuebingen
Classification: Uncertain significance. Last evaluated: 2026-04-01. Review status: criteria provided, single submitter. Criteria: CeGaT Center For Human Genetics Tuebingen Variant Classification Criteria Version 2. Collection method: clinical testing. Allele origin: germline. Affected: yes. Observed: 3 variant alleles.
Comment: CSF1R: PM2

Labcorp Genetics (formerly Invitae), Labcorp
Classification: Uncertain significance. Last evaluated: 2025-09-02. Review status: criteria provided, single submitter. Criteria: Invitae Variant Classification Sherloc (09022015). Collection method: clinical testing. Allele origin: germline.
Comment: This variant, c.2785_2805del, results in the deletion of 7 amino acid(s) of the CSF1R protein (p.Ser929_Ser935del), but otherwise preserves the integrity of the reading frame. This variant is present in population databases (rs773685033, gnomAD 0.02%). This variant has not been reported in the literature in individuals affected with CSF1R-related conditions. ClinVar contains an entry for this variant (Variation ID: 1515375). Experimental studies and prediction algorithms are not available or were not evaluated, and the functional significance of this variant is currently unknown. In summary, the available evidence is currently insufficient to determine the role of this variant in disease. Therefore, it has been classified as a Variant of Uncertain Significance.

NM_001288705.3(CSF1R):c.2785_2805del (p.Ser929_Ser935del)

Gene: CSF1R (colony stimulating factor 1 receptor; minus strand). Cytogenetic location: 5q32.
Variant type: Deletion.
Coding change: c.2785_2805del on transcript NM_001288705.3 (MANE Select); coding-DNA positions 2785 to 2805, 21 bases deleted (AGCAGCAGAAGCGGTGGCAGC).
Protein change: p.Ser929_Ser935del.
Molecular consequence: inframe deletion. On other transcripts: non-coding transcript variant (2).
Genome position (GRCh38, 1-based): chr5:150,054,183-150,054,203, GCTGCCACCGCTTCTGCTGCT deleted on the plus strand (AGCAGCAGAAGCGGTGGCAGC on the coding strand, the reverse complement: CSF1R is on the minus strand); deleting any 21 consecutive bases within chr5:150,054,183-150,054,206 gives the same sequence; the c. name uses the placement nearest the transcript's 3' end. VCF-style (leftmost placement, unchanged base first): chr5-150054182-CGCTGCCACCGCTTCTGCTGCT-C. GRCh37 (hg19) VCF-style: chr5-149433745-CGCTGCCACCGCTTCTGCTGCT-C.
Other names: c.2785_2805del, p.Ser929_Ser935del (NM_001349736.2, NM_001375320.1, NM_005211.4); c.2341_2361del, p.Ser781_Ser787del (NM_001375321.1).
Identifiers: ClinVar variation 1515375 (VCV001515375.31), dbSNP rs773685033, ClinGen allele CA3506327.
Genomic context (GRCh38, chr5:150,054,182, plus strand): 5'-GCTCGCAGCAGGTCAGGTGCTCACTAGAGCTCTCCTCCTCCAGCTCACTGCTGCTGCTGC[CGCTGCCACCGCTTCTGCTGCT>C]GCTCGGCAGATTGGTATAGTCCTGAGGGTGGGAGGGACCAGAAACTGTCAGTCCAGATCC-3'